The following is an entry in ClinVar:

NM_022124.6(CDH23):c.7734T>G (p.Ser2578Arg)

Gene: CDH23 (cadherin related 23; plus strand). Cytogenetic location: 10q22.1.
Variant type: single nucleotide variant.
Coding change: c.7734T>G on transcript NM_022124.6 (MANE Select); coding-DNA position 7734, T replaced by G.
Protein change: p.Ser2578Arg; replaces serine 2578 with arginine.
Molecular consequence: missense variant.
Genome position (GRCh38, 1-based): chr10:71,803,282, T>G. VCF-style: chr10-71803282-T-G. GRCh37 (hg19) VCF-style: chr10-73563039-T-G.
Other names: c.1014T>G, p.Ser338Arg (NM_001171933.1, NM_001171934.1); short protein forms S2578R, S338R.
Identifiers: ClinVar variation 1716306 (VCV001716306.5), dbSNP rs2494418536, ClinGen allele CA377161262.
Genomic context (GRCh38, chr10:71,803,282, plus strand): 5'-GGACATGGACTCGGGCTTGGTGACCACACAGCGGCCACTGCAGTCCTACGAGAAGTTCAG[T>G]CTGACCGTGGTGGCCACAGATGGTGGAGAGCCCCCACTCTGGGGCACCACCATGCTCCTG-3'
Protein context (NP_071407.4, residues 2568-2588): QRPLQSYEKF[Ser2578Arg]LTVVATDGGE

ClinVar aggregate classification (germline): Uncertain significance (1 of 4 stars; one submission).

Submission:

Labcorp Genetics (formerly Invitae), Labcorp
Classification: Uncertain significance. Last evaluated: 2022-07-16. Review status: criteria provided, single submitter. Criteria: Invitae Variant Classification Sherloc (09022015). Collection method: clinical testing. Allele origin: germline.
Comment: This sequence change replaces serine, which is neutral and polar, with arginine, which is basic and polar, at codon 2578 of the CDH23 protein (p.Ser2578Arg). This variant is not present in population databases (gnomAD no frequency). This variant has not been reported in the literature in individuals affected with CDH23-related conditions. Algorithms developed to predict the effect of missense changes on protein structure and function are either unavailable or do not agree on the potential impact of this missense change (SIFT: "Deleterious"; PolyPhen-2: "Not Available"; Align-GVGD: "Class C0"). In summary, the available evidence is currently insufficient to determine the role of this variant in disease. Therefore, it has been classified as a Variant of Uncertain Significance.